The following is an entry in ClinVar:

ClinVar aggregate classification (germline): Uncertain significance (1 of 4 stars; one submission).

Allele frequency attached by ClinVar (database versions not stated): TOPMed below 0.00001.

Submission:

Labcorp Genetics (formerly Invitae), Labcorp
Classification: Uncertain significance. Last evaluated: 2023-11-11. Review status: criteria provided, single submitter. Criteria: Invitae Variant Classification Sherloc (09022015). Collection method: clinical testing. Allele origin: germline.
Comment: This sequence change replaces proline, which is neutral and non-polar, with leucine, which is neutral and non-polar, at codon 908 of the ADNP protein (p.Pro908Leu). This variant is present in population databases (no rsID available, gnomAD 0.0009%). This variant has not been reported in the literature in individuals affected with ADNP-related conditions. Algorithms developed to predict the effect of missense changes on protein structure and function output the following: SIFT: "Not Available"; PolyPhen-2: "Benign"; Align-GVGD: "Not Available". The leucine amino acid residue is found in multiple mammalian species, which suggests that this missense change does not adversely affect protein function. In summary, the available evidence is currently insufficient to determine the role of this variant in disease. Therefore, it has been classified as a Variant of Uncertain Significance.

NM_001282531.3(ADNP):c.2723C>T (p.Pro908Leu)

Gene: ADNP (activity dependent neuroprotector homeobox; minus strand). Cytogenetic location: 20q13.13.
Variant type: single nucleotide variant.
Coding change: c.2723C>T on transcript NM_001282531.3 (MANE Select); coding-DNA position 2723, C replaced by T.
Protein change: p.Pro908Leu; replaces proline 908 with leucine.
Molecular consequence: missense variant.
Genome position (GRCh38, 1-based): chr20:50,891,991, G>A on the plus strand (C>T on the coding strand, the complement: ADNP is on the minus strand). VCF-style: chr20-50891991-G-A. GRCh37 (hg19) VCF-style: chr20-49508528-G-A.
Other names: c.2723C>T, p.Pro908Leu (NM_001282532.2, NM_001347511.2, NM_015339.5 and 1 more transcripts); short protein forms P908L.
Identifiers: ClinVar variation 2881235 (VCV002881235.3), dbSNP rs770584089, ClinGen allele CA408968095.